The following is an entry in ClinVar:

ClinVar aggregate classification (germline): Uncertain significance (1 of 4 stars; one submission).

Submission:

Labcorp Genetics (formerly Invitae), Labcorp
Classification: Uncertain significance. Last evaluated: 2022-07-30. Review status: criteria provided, single submitter. Criteria: Invitae Variant Classification Sherloc (09022015). Collection method: clinical testing. Allele origin: germline.
Comment: ClinVar contains an entry for this variant (Variation ID: 1477164). This sequence change replaces serine, which is neutral and polar, with arginine, which is basic and polar, at codon 191 of the ARHGEF10 protein (p.Ser191Arg). This variant is not present in population databases (gnomAD no frequency). This variant has not been reported in the literature in individuals affected with ARHGEF10-related conditions. Algorithms developed to predict the effect of missense changes on protein structure and function are either unavailable or do not agree on the potential impact of this missense change (SIFT: "Tolerated"; PolyPhen-2: "Possibly Damaging"; Align-GVGD: "Class C0"). In summary, the available evidence is currently insufficient to determine the role of this variant in disease. Therefore, it has been classified as a Variant of Uncertain Significance.

NM_014629.4(ARHGEF10):c.571A>C (p.Ser191Arg)

Gene: ARHGEF10 (Rho guanine nucleotide exchange factor 10; plus strand). Cytogenetic location: 8p23.3.
Variant type: single nucleotide variant.
Coding change: c.571A>C on transcript NM_014629.4 (MANE Select); coding-DNA position 571, A replaced by C.
Protein change: p.Ser191Arg; replaces serine 191 with arginine.
Molecular consequence: missense variant.
Genome position (GRCh38, 1-based): chr8:1,866,551, A>C. VCF-style: chr8-1866551-A-C. GRCh37 (hg19) VCF-style: chr8-1814717-A-C.
Other names: c.574A>C, p.Ser192Arg (NM_001308152.2, NM_001308153.3); short protein forms S191R, S192R, S216R.
Identifiers: ClinVar variation 1477164 (VCV001477164.8), dbSNP rs1375830894, ClinGen allele CA369957122.